The following is an entry in ClinVar:

ClinVar aggregate classification (germline): Uncertain significance. Review status: criteria provided, multiple submitters, no conflicts (2 of 4 stars). 2 submissions from 2 submitters: Uncertain significance (2). Last evaluated 2020-08-20.

Conditions:
Epidermolysis bullosa simplex with nail dystrophy (EBS5D). Identifiers: MedGen C4225309, MONDO:0014661, OMIM 616487.
Epidermolysis bullosa simplex 5C, with pyloric atresia (EBS5C). Also called: PLEC-Related Epidermolysis Bullosa with Pyloric Atresia; Epidermolysis bullosa simplex with pyloric atresia; PLEC1-Related Epidermolysis Bullosa with Pyloric Atresia. Identifiers: Orphanet 158684, MedGen C2677349, MONDO:0012807, OMIM 612138.
Autosomal recessive limb-girdle muscular dystrophy type 2Q (LGMDR17). Also called: MUSCULAR DYSTROPHY, LIMB-GIRDLE, AUTOSOMAL RECESSIVE 17. Identifiers: Orphanet 254361, MedGen C3150989, MONDO:0013390, OMIM 613723.
Epidermolysis bullosa simplex 5B, with muscular dystrophy (EBS5B). Also called: EPIDERMOLYSIS BULLOSA SIMPLEX AND LIMB-GIRDLE MUSCULAR DYSTROPHY; Epidermolysis bullosa simplex with muscular dystrophy. Identifiers: Orphanet 257, MedGen C2931072, MONDO:0009181, OMIM 226670.
Epidermolysis bullosa simplex, Ogna type (EBS5A). Also called: Pidermolysis bullosa simplex 5A, Ogna type; EPIDERMOLYSIS BULLOSA SIMPLEX 5A, OGNA TYPE. Identifiers: Orphanet 79401, MedGen C0432317, MONDO:0007555, OMIM 131950.

Submissions (2):

Labcorp Genetics (formerly Invitae), Labcorp
Classification: Uncertain significance for Autosomal recessive limb-girdle muscular dystrophy type 2Q; Epidermolysis bullosa simplex, Ogna type; Epidermolysis bullosa simplex with nail dystrophy; Epidermolysis bullosa simplex 5C, with pyloric atresia; Epidermolysis bullosa simplex 5B, with muscular dystrophy. Last evaluated: 2020-08-20. Review status: criteria provided, single submitter. Criteria: Invitae Variant Classification Sherloc (09022015). Collection method: clinical testing. Allele origin: germline.
Comment: This sequence change replaces alanine with aspartic acid at codon 3823 of the PLEC protein (p.Ala3823Asp). The alanine residue is highly conserved and there is a moderate physicochemical difference between alanine and aspartic acid. This variant is not present in population databases (ExAC no frequency). This variant has been observed in individual(s) with clinical features of PLEC-related conditions (Invitae). ClinVar contains an entry for this variant (Variation ID: 281315). Algorithms developed to predict the effect of missense changes on protein structure and function (SIFT, PolyPhen-2, Align-GVGD) all suggest that this variant is likely to be disruptive, but these predictions have not been confirmed by published functional studies and their clinical significance is uncertain. In summary, the available evidence is currently insufficient to determine the role of this variant in disease. Therefore, it has been classified as a Variant of Uncertain Significance.

Eurofins Ntd Llc (ga)
Classification: Uncertain significance. Last evaluated: 2015-07-06. Review status: criteria provided, single submitter. Criteria: EGL Classification Definitions 2015. Collection method: clinical testing. Allele origin: germline. Observed: 1 variant allele, 1 heterozygote.

NM_201384.3(PLEC):c.11387C>A (p.Ala3796Asp)

Gene: PLEC (plectin; minus strand). Cytogenetic location: 8q24.3.
Variant type: single nucleotide variant.
Coding change: c.11387C>A on transcript NM_201384.3 (MANE Select); coding-DNA position 11387, C replaced by A.
Protein change: p.Ala3796Asp; replaces alanine 3796 with aspartic acid.
Molecular consequence: missense variant.
Genome position (GRCh38, 1-based): chr8:143,918,434, G>T on the plus strand (C>A on the coding strand, the complement: PLEC is on the minus strand). VCF-style: chr8-143918434-G-T. GRCh37 (hg19) VCF-style: chr8-144992602-G-T.
Other names: c.11468C>A, p.Ala3823Asp (NM_000445.5); c.11345C>A, p.Ala3782Asp (NM_201378.4); c.11321C>A, p.Ala3774Asp (NM_201379.3); c.11798C>A, p.Ala3933Asp (NM_201380.4); c.11291C>A, p.Ala3764Asp (NM_201381.3); c.11387C>A, p.Ala3796Asp (NM_201382.4); c.11399C>A, p.Ala3800Asp (NM_201383.3); short protein forms A3774D, A3823D, A3764D, A3782D, A3800D, A3796D, A3933D.
Identifiers: ClinVar variation 281315 (VCV000281315.13), dbSNP rs886044776, ClinGen allele CA10603841.